The following is an entry in ClinVar:

ClinVar aggregate classification (germline): Conflicting classifications of pathogenicity. Review status: criteria provided, conflicting classifications (1 of 4 stars). 3 submissions from 3 submitters: Uncertain significance (1); Likely benign (2). Last evaluated 2025-04-15.

Conditions:
PDE6A-related disorder. Also called: PDE6A-related condition.

Allele frequency attached by ClinVar (database versions not stated): ExAC 0.00004; gnomAD exomes 0.00006; ESP Exome Variant Server 0.00008; TOPMed 0.00026.
gnomAD v4.1: 73 of 1,614,080 alleles (0.0045%); highest among the groups gnomAD compares: African/African-American, 0.08%; no homozygotes.

Submissions (3):

PreventionGenetics, part of Exact Sciences
Classification: Likely benign for PDE6A-related condition. Last evaluated: 2025-04-15. Review status: criteria provided, single submitter. Criteria: ACMG Guidelines, 2015. Collection method: clinical testing. Allele origin: germline.
Comment: This variant is classified as likely benign based on ACMG/AMP sequence variant interpretation guidelines (Richards et al. 2015 PMID: 25741868, with internal and published modifications).

Labcorp Genetics (formerly Invitae), Labcorp
Classification: Uncertain significance. Last evaluated: 2024-12-02. Review status: criteria provided, single submitter. Criteria: Invitae Variant Classification Sherloc (09022015). Collection method: clinical testing. Allele origin: germline.
Comment: This sequence change affects codon 585 of the PDE6A mRNA. It is a 'silent' change, meaning that it does not change the encoded amino acid sequence of the PDE6A protein. This variant is present in population databases (rs139011078, gnomAD 0.1%). This variant has not been reported in the literature in individuals affected with PDE6A-related conditions. ClinVar contains an entry for this variant (Variation ID: 999718). Algorithms developed to predict the effect of sequence changes on RNA splicing suggest that this variant is not likely to affect RNA splicing. In summary, the available evidence is currently insufficient to determine the role of this variant in disease. Therefore, it has been classified as a Variant of Uncertain Significance.

Blueprint Genetics
Classification: Likely benign. Last evaluated: 2022-12-01. Review status: criteria provided, single submitter. Criteria: ACMG Guidelines, 2015. Collection method: clinical testing. Allele origin: germline.

NM_000440.3(PDE6A):c.1755G>A (p.Thr585=)

Gene: PDE6A (phosphodiesterase 6A; minus strand). Cytogenetic location: 5q32.
Variant type: single nucleotide variant.
Coding change: c.1755G>A on transcript NM_000440.3 (MANE Select); coding-DNA position 1755, G replaced by A.
Protein change: p.Thr585=; no amino-acid change (threonine 585 retained).
Molecular consequence: synonymous variant.
Genome position (GRCh38, 1-based): chr5:149,886,348, C>T on the plus strand (G>A on the coding strand, the complement: PDE6A is on the minus strand). VCF-style: chr5-149886348-C-T. GRCh37 (hg19) VCF-style: chr5-149265911-C-T.
Other names: c.1755G>A (NM_000440.2).
Identifiers: ClinVar variation 999718 (VCV000999718.7), dbSNP rs139011078, ClinGen allele CA3504543.